The following is an entry in ClinVar:

NM_000384.3(APOB):c.11749T>A (p.Cys3917Ser)

Gene: APOB (apolipoprotein B; minus strand). Cytogenetic location: 2p24.1.
Variant type: single nucleotide variant.
Coding change: c.11749T>A on transcript NM_000384.3 (MANE Select); coding-DNA position 11749, T replaced by A.
Protein change: p.Cys3917Ser; replaces cysteine 3917 with serine.
Molecular consequence: missense variant.
Genome position (GRCh38, 1-based): chr2:21,005,119, A>T on the plus strand (T>A on the coding strand, the complement: APOB is on the minus strand). VCF-style: chr2-21005119-A-T. GRCh37 (hg19) VCF-style: chr2-21227991-A-T.
Other names: short protein forms C3917S.
Identifiers: ClinVar variation 2451315 (VCV002451315.2), dbSNP rs1476577082, ClinGen allele CA345977443.
Genomic context (GRCh38, chr2:21,005,119, plus strand): 5'-AGGAGGCAGGATATTTCTTACCATTTAGTTCATATTCTAGGAACTGTACGGTTGAGCTGC[A>T]TGTGGAATCCAGGACTGTTTCAACATAATCTGCTTTGTTTTTCAAACTGGCACTCCAAGT-3'
Protein context (NP_000375.3, residues 3907-3927): DYVETVLDST[Cys3917Ser]SSTVQFLEYE

ClinVar aggregate classification (germline): Uncertain significance (1 of 4 stars; one submission).

Conditions:
Cardiovascular phenotype. Identifiers: MedGen CN230736.

gnomAD v4.1: 1 of 1,614,072 alleles (0.000062%); highest among the groups gnomAD compares: Non-Finnish European, 0.000085%; no homozygotes.

Submission:

Ambry Genetics
Classification: Uncertain significance for Cardiovascular phenotype. Last evaluated: 2023-01-28. Review status: criteria provided, single submitter. Criteria: Ambry Variant Classification Scheme 2023. Collection method: clinical testing. Allele origin: germline.
Comment: The p.C3917S variant (also known as c.11749T>A), located in coding exon 26 of the APOB gene, results from a T to A substitution at nucleotide position 11749. The cysteine at codon 3917 is replaced by serine, an amino acid with dissimilar properties. This amino acid position is conserved. In addition, this alteration is predicted to be tolerated by in silico analysis. Since supporting evidence is limited at this time, the clinical significance of this alteration remains unclear.